The following is an entry in ClinVar:

ClinVar aggregate classification (germline): Uncertain significance. Review status: criteria provided, multiple submitters, no conflicts (2 of 4 stars). 2 submissions from 2 submitters: Uncertain significance (2). Last evaluated 2024-08-13.

Conditions:
Hereditary cancer-predisposing syndrome. Also called: Neoplastic Syndromes, Hereditary; Hereditary Cancer Syndrome; Hereditary neoplastic syndrome; Tumor predisposition. Identifiers: Orphanet 140162, MedGen C0027672, MeSH D009386, MONDO:0015356.
Cardiovascular phenotype. Identifiers: MedGen CN230736.
Neurofibromatosis, type 1 (NF1). Also called: Neurofibromatosis, type I; Peripheral type neurofibromatosis; VON RECKLINGHAUSEN DISEASE; NEUROFIBROMATOSIS, TYPE I, SOMATIC. Identifiers: Orphanet 636, MedGen C0027831, MONDO:0018975, OMIM 162200. Disease mechanism: loss of function.

Submissions (2):

Labcorp Genetics (formerly Invitae), Labcorp
Classification: Uncertain significance for Neurofibromatosis, type 1. Last evaluated: 2024-08-13. Review status: criteria provided, single submitter. Criteria: Invitae Variant Classification Sherloc (09022015). Collection method: clinical testing. Allele origin: germline.
Comment: This sequence change replaces leucine, which is neutral and non-polar, with arginine, which is basic and polar, at codon 2327 of the NF1 protein (p.Leu2327Arg). This variant is not present in population databases (gnomAD no frequency). This variant has not been reported in the literature in individuals affected with NF1-related conditions. ClinVar contains an entry for this variant (Variation ID: 826746). Invitae Evidence Modeling of protein sequence and biophysical properties (such as structural, functional, and spatial information, amino acid conservation, physicochemical variation, residue mobility, and thermodynamic stability) indicates that this missense variant is not expected to disrupt NF1 protein function with a negative predictive value of 95%. In summary, the available evidence is currently insufficient to determine the role of this variant in disease. Therefore, it has been classified as a Variant of Uncertain Significance.

Ambry Genetics
Classification: Uncertain significance for Cardiovascular phenotype; Hereditary cancer-predisposing syndrome. Last evaluated: 2019-11-04. Review status: criteria provided, single submitter. Criteria: Ambry Variant Classification Scheme 2023. Collection method: clinical testing. Allele origin: germline.
Comment: The p.L2327R variant (also known as c.6980T>G), located in coding exon 46 of the NF1 gene, results from a T to G substitution at nucleotide position 6980. The leucine at codon 2327 is replaced by arginine, an amino acid with dissimilar properties. This amino acid position is well conserved in available vertebrate species. In addition, this alteration is predicted to be tolerated by in silico analysis. Since supporting evidence is limited at this time, the clinical significance of this alteration remains unclear.

NM_001042492.3(NF1):c.7043T>G (p.Leu2348Arg)

Gene: NF1 (neurofibromin 1; plus strand). Cytogenetic location: 17q11.2.
Variant type: single nucleotide variant.
Coding change: c.7043T>G on transcript NM_001042492.3 (MANE Select); coding-DNA position 7043, T replaced by G.
Protein change: p.Leu2348Arg; replaces leucine 2348 with arginine.
Molecular consequence: missense variant.
Genome position (GRCh38, 1-based): chr17:31,340,626, T>G. VCF-style: chr17-31340626-T-G. GRCh37 (hg19) VCF-style: chr17-29667644-T-G.
Other names: c.6980T>G, p.Leu2327Arg (NM_000267.4); short protein forms L2348R, L2327R.
Identifiers: ClinVar variation 826746 (VCV000826746.9), dbSNP rs1597848222, ClinGen allele CA399015186.